The following is an entry in ClinVar:

ClinVar aggregate classification (germline): Pathogenic (1 of 4 stars; one submission).

Submission:

Labcorp Genetics (formerly Invitae), Labcorp
Classification: Pathogenic. Last evaluated: 2023-11-07. Review status: criteria provided, single submitter. Criteria: Invitae Variant Classification Sherloc (09022015). Collection method: clinical testing. Allele origin: germline.
Comment: This sequence change creates a premature translational stop signal (p.Gly476Trpfs*6) in the CDH23 gene. It is expected to result in an absent or disrupted protein product. Loss-of-function variants in CDH23 are known to be pathogenic (PMID: 11138009, 21940737). This variant is not present in population databases (gnomAD no frequency). This variant has not been reported in the literature in individuals affected with CDH23-related conditions. For these reasons, this variant has been classified as Pathogenic.

Literature cited by the submitters: PubMed 11138009; PubMed 21940737.

NM_022124.6(CDH23):c.1424_1425dup (p.Gly476fs)

Gene: CDH23 (cadherin related 23; plus strand). Cytogenetic location: 10q22.1.
Variant type: Duplication.
Coding change: c.1424_1425dup on transcript NM_022124.6 (MANE Select); coding-DNA positions 1424 to 1425, 2 bases duplicated (TG; older notation c.1424_1425dupTG).
Protein change: p.Gly476fs; shifts the reading frame from glycine 476.
Molecular consequence: frameshift variant.
Genome position (GRCh38, 1-based): chr10:71,646,592-71,646,593, TG duplicated; duplicating any 2 consecutive bases within chr10:71,646,591-71,646,593 gives the same sequence; the c. name uses the placement nearest the transcript's 3' end. VCF-style (leftmost placement, unchanged base first): chr10-71646590-C-CGT. GRCh37 (hg19) VCF-style: chr10-73406347-C-CGT.
Other names: c.1424_1425dup, p.Gly476fs (NM_001171930.2, NM_001171931.2, NM_052836.4); short protein forms G476fs.
Identifiers: ClinVar variation 2693997 (VCV002693997.3), dbSNP rs2493821059, ClinGen allele CA2609565795.